The following is an entry in ClinVar:

ClinVar aggregate classification (germline): Uncertain significance. Review status: criteria provided, multiple submitters, no conflicts (2 of 4 stars). 3 submissions from 3 submitters: Uncertain significance (2). 1 of the submissions does not count toward it. Last evaluated 2026-07-25.

Conditions:
PROK2-related disorder. Also called: PROK2-related condition.
Hypogonadotropic hypogonadism 4 with or without anosmia (HH4). Also called: PROK2-Related GnRH Deficiency (Kallmann Syndrome 4); KAL4; HYPOGONADOTROPIC HYPOGONADISM 4 WITH ANOSMIA. Identifiers: Orphanet 478, MedGen C3552343, MONDO:0012528, OMIM 610628.

Allele frequency attached by ClinVar (database versions not stated): ExAC below 0.00001; gnomAD 0.00004; TOPMed 0.00009; gnomAD exomes 0.00014.

Submissions (3):

PreventionGenetics, part of Exact Sciences
Classification: Uncertain significance for PROK2-related condition. Last evaluated: 2026-07-25. Review status: criteria provided, single submitter. Criteria: ACMG Guidelines, 2015. Collection method: clinical testing. Allele origin: germline.
Comment: The PROK2 c.94G>C variant is predicted to result in the amino acid substitution p.Gly32Arg. This variant was reported in the heterozygous state in an individual with Kallmann syndrome (Dodé et al. 2006. PubMed ID: 17054399). This variant is reported in 0.037% of alleles in individuals of European (Non-Finnish) descent in gnomAD. At this time, the clinical significance of this variant is uncertain due to the absence of conclusive functional and genetic evidence.

Women's Health and Genetics/Laboratory Corporation of America, LabCorp
Classification: Uncertain significance. Last evaluated: 2026-02-17. Review status: criteria provided, single submitter. Criteria: LabCorp Variant Classification Summary - May 2015. Collection method: clinical testing. Allele origin: germline.
Comment: Variant summary: PROK2 c.94G>C (p.Gly32Arg) results in a non-conservative amino acid change in the encoded protein sequence. Algorithms developed to predict the effect of missense changes on protein structure and function all suggest that this variant is likely to be disruptive. Consensus agreement among computation tools predict no significant impact on normal splicing. However, these predictions have yet to be confirmed by functional studies. The variant allele was found at a frequency of 0.00014 in 7124 control chromosomes. The available data on variant occurrences in the general population are insufficient to allow any conclusion about variant significance. c.94G>C has been observed in individual(s) affected with Hypogonadotropic Hypogonadism 4 With Or Without Anosmia (Dode_2006, Francou_2011). These data do not allow any conclusion about variant significance. To our knowledge, no experimental evidence demonstrating an impact on protein function has been reported. The following publications have been ascertained in the context of this evaluation (PMID: 17054399, 22031817). ClinVar contains an entry for this variant (Variation ID: 3601). Based on the evidence outlined above, the variant was classified as uncertain significance.

OMIM
Classification: Pathogenic for HYPOGONADOTROPIC HYPOGONADISM 4 WITH ANOSMIA. Last evaluated: 2006-10-20. Review status: no assertion criteria provided. Collection method: literature only. Allele origin: germline. Not counted in ClinVar's aggregate classification.

Literature cited by the submitters: PubMed 17054399 (cited by Women's Health and Genetics/Laboratory Corporation of America, LabCorp and OMIM); PubMed 22031817 (cited by Women's Health and Genetics/Laboratory Corporation of America, LabCorp).

NM_001126128.2(PROK2):c.94G>C (p.Gly32Arg)

Gene: PROK2 (prokineticin 2; minus strand). Cytogenetic location: 3p13.
Variant type: single nucleotide variant.
Coding change: c.94G>C on transcript NM_001126128.2 (MANE Select); coding-DNA position 94, G replaced by C.
Protein change: p.Gly32Arg; replaces glycine 32 with arginine.
Molecular consequence: missense variant.
Genome position (GRCh38, 1-based): chr3:71,784,959, C>G on the plus strand (G>C on the coding strand, the complement: PROK2 is on the minus strand). VCF-style: chr3-71784959-C-G. GRCh37 (hg19) VCF-style: chr3-71834110-C-G.
Other names: c.94G>C (NM_001126128.1); c.94G>C, p.Gly32Arg (NM_021935.4); short protein forms G32R.
Identifiers: ClinVar variation 3601 (VCV000003601.5), dbSNP rs104893767, ClinGen allele CA252840.
Genomic context (GRCh38, chr3:71,784,959, plus strand): 5'-CCCCTGGGCACATCCCAGGCGCGCATCAGGGGCAGACAGGTGCGCCCGGGCCGCTTACCC[C>G]GGTGATCACGGCGGCGTCCCCAGCGCGGGGCGTGAGCAGCAGCGGCGGCAGCAGCAAGAG-3'
Protein context (NP_001119600.1, residues 22-42): PRAGDAAVIT[Gly32Arg]ACDKDSQCGG